The following is an entry in ClinVar:

ClinVar aggregate classification (germline): Uncertain significance. Review status: criteria provided, multiple submitters, no conflicts (2 of 4 stars). 5 submissions from 5 submitters: Uncertain significance (5). Last evaluated 2026-01-19.

Conditions:
Inborn genetic diseases. Identifiers: MedGen C0950123, MeSH D030342.

Allele frequency attached by ClinVar (database versions not stated): gnomAD exomes 0.00014; ESP Exome Variant Server 0.00015; ExAC 0.00018; gnomAD 0.00018 and 0.00020; TOPMed 0.00035; 1000 Genomes Project 30x 0.00078; 1000 Genomes Project 0.00080.
gnomAD v4.1: 241 of 1,604,866 alleles (0.015%); highest among the groups gnomAD compares: Admixed American, 0.055%; no homozygotes.

Submissions (5):

Labcorp Genetics (formerly Invitae), Labcorp
Classification: Uncertain significance. Last evaluated: 2026-01-19. Review status: criteria provided, single submitter. Criteria: Invitae Variant Classification Sherloc (09022015). Collection method: clinical testing. Allele origin: germline.
Comment: This sequence change replaces arginine, which is basic and polar, with glutamine, which is neutral and polar, at codon 183 of the POGLUT1 protein (p.Arg183Gln). This variant is present in population databases (rs189569196, gnomAD 0.02%). This variant has not been reported in the literature in individuals affected with POGLUT1-related conditions. ClinVar contains an entry for this variant (Variation ID: 650615). An algorithm developed to predict the effect of missense changes on protein structure and function (PolyPhen-2) suggests that this variant is likely to be disruptive. In summary, the available evidence is currently insufficient to determine the role of this variant in disease. Therefore, it has been classified as a Variant of Uncertain Significance.

Ambry Genetics
Classification: Uncertain significance for Inborn genetic diseases. Last evaluated: 2025-07-31. Review status: criteria provided, single submitter. Criteria: Ambry Variant Classification Scheme 2023. Collection method: clinical testing. Allele origin: germline.

GeneDx
Classification: Uncertain significance. Last evaluated: 2025-01-28. Review status: criteria provided, single submitter. Criteria: GeneDx Variant Classification Process June 2021. Collection method: clinical testing. Allele origin: germline.
Comment: In silico analysis supports that this missense variant has a deleterious effect on protein structure/function; Has not been previously published as pathogenic or benign to our knowledge

Blueprint Genetics
Classification: Uncertain significance. Last evaluated: 2023-07-21. Review status: criteria provided, single submitter. Criteria: ACMG Guidelines, 2015. Collection method: clinical testing. Allele origin: germline.

Revvity Omics, Revvity
Classification: Uncertain significance. Last evaluated: 2020-01-10. Review status: criteria provided, single submitter. Criteria: ACMG Guidelines, 2015. Collection method: clinical testing. Allele origin: germline.

NM_152305.3(POGLUT1):c.548G>A (p.Arg183Gln)

Gene: POGLUT1 (protein O-glucosyltransferase 1; plus strand). Cytogenetic location: 3q13.33.
Variant type: single nucleotide variant.
Coding change: c.548G>A on transcript NM_152305.3 (MANE Select); coding-DNA position 548, G replaced by A.
Protein change: p.Arg183Gln; replaces arginine 183 with glutamine.
Molecular consequence: missense variant. On other transcripts: non-coding transcript variant (1).
Genome position (GRCh38, 1-based): chr3:119,480,142, G>A. VCF-style: chr3-119480142-G-A. GRCh37 (hg19) VCF-style: chr3-119198989-G-A.
Other names: short protein forms R183Q.
Identifiers: ClinVar variation 650615 (VCV000650615.13), dbSNP rs189569196, ClinGen allele CA2554903.